The following is an entry in ClinVar:

ClinVar aggregate classification (germline): Uncertain significance (1 of 4 stars; one submission).

Conditions:
HNRNPH1-related disorder. Also called: HNRNPH1-related condition.

Submission:

PreventionGenetics, part of Exact Sciences
Classification: Uncertain significance for HNRNPH1-related condition. Last evaluated: 2026-08-30. Review status: criteria provided, single submitter. Criteria: ACMG Guidelines, 2015. Collection method: clinical testing. Allele origin: germline.
Comment: The HNRNPH1 c.839G>C variant is predicted to result in the amino acid substitution p.Gly280Ala. To our knowledge, this variant has not been reported in the literature or in a large population database (gnomAD), indicating this variant is rare. At this time, the clinical significance of this variant is uncertain due to the absence of conclusive functional and genetic evidence.

NM_001257293.2(HNRNPH1):c.839G>C (p.Gly280Ala)

Genes: HNRNPH1 (heterogeneous nuclear ribonucleoprotein H1; minus strand), LOC128966623 (uncharacterized LOC128966623; plus strand). Cytogenetic location: 5q35.3.
Variant type: single nucleotide variant.
Coding change: c.839G>C on transcript NM_001257293.2 (MANE Select); coding-DNA position 839, G replaced by C.
Protein change: p.Gly280Ala; replaces glycine 280 with alanine.
Molecular consequence: missense variant.
Genome position (GRCh38, 1-based): chr5:179,617,881, C>G on the plus strand (G>C on the coding strand, the complement: HNRNPH1 is on the minus strand). VCF-style: chr5-179617881-C-G. GRCh37 (hg19) VCF-style: chr5-179044882-C-G.
Other names: c.839G>C, p.Gly280Ala (NM_001364239.2, NM_001364244.2, NM_001364245.2 and 27 more transcripts); c.818G>C, p.Gly273Ala (NM_001364240.2, NM_001364241.2, NM_001364242.2 and 6 more transcripts); c.683G>C, p.Gly228Ala (NM_001364250.2); c.236G>C, p.Gly79Ala (NM_001364251.2, NM_001364252.2, NM_001364253.2 and 4 more transcripts); c.608G>C, p.Gly203Ala (NM_001395190.1); c.521G>C, p.Gly174Ala (NM_001395191.1, NM_001395192.1); c.428G>C, p.Gly143Ala (NM_001395193.1); short protein forms G280A, G174A, G203A, G79A, G143A, G228A, G273A.
Identifiers: ClinVar variation 4993633 (VCV004993633.1).